The following is an entry in ClinVar:

ClinVar aggregate classification (germline): Uncertain significance (1 of 4 stars; one submission).

Conditions:
Hyperaldosteronism, familial, type IV (HALD4). Also called: FH IV; ALDOSTERONISM, PRIMARY, AND HYPERTENSION. Identifiers: Orphanet 642671, MedGen C4310756, MONDO:0014875, OMIM 617027.
Idiopathic generalized epilepsy. Also called: EIG; Generalised epilepsy. Identifiers: MedGen C0270850, MONDO:0005579, OMIM 600669.

Allele frequency attached by ClinVar (database versions not stated): gnomAD exomes 0.00001 and 0.00002; ExAC 0.00002; gnomAD 0.00002; TOPMed 0.00002.

Submission:

Labcorp Genetics (formerly Invitae), Labcorp
Classification: Uncertain significance for Idiopathic generalized epilepsy; Hyperaldosteronism, familial, type IV. Last evaluated: 2024-10-23. Review status: criteria provided, single submitter. Criteria: Invitae Variant Classification Sherloc (09022015). Collection method: clinical testing. Allele origin: germline.
Comment: This sequence change replaces methionine, which is neutral and non-polar, with valine, which is neutral and non-polar, at codon 1636 of the CACNA1H protein (p.Met1636Val). This variant is present in population databases (rs371096587, gnomAD 0.01%). This variant has not been reported in the literature in individuals affected with CACNA1H-related conditions. ClinVar contains an entry for this variant (Variation ID: 460132). Invitae Evidence Modeling of protein sequence and biophysical properties (such as structural, functional, and spatial information, amino acid conservation, physicochemical variation, residue mobility, and thermodynamic stability) indicates that this missense variant is not expected to disrupt CACNA1H protein function with a negative predictive value of 80%. In summary, the available evidence is currently insufficient to determine the role of this variant in disease. Therefore, it has been classified as a Variant of Uncertain Significance.

NM_021098.3(CACNA1H):c.4906A>G (p.Met1636Val)

Gene: CACNA1H (calcium voltage-gated channel subunit alpha1 H; plus strand). Cytogenetic location: 16p13.3.
Variant type: single nucleotide variant.
Coding change: c.4906A>G on transcript NM_021098.3 (MANE Select); coding-DNA position 4906, A replaced by G.
Protein change: p.Met1636Val; replaces methionine 1636 with valine.
Molecular consequence: missense variant.
Genome position (GRCh38, 1-based): chr16:1,213,908, A>G. VCF-style: chr16-1213908-A-G. GRCh37 (hg19) VCF-style: chr16-1263908-A-G.
Other names: c.4888A>G, p.Met1630Val (NM_001005407.2); short protein forms M1636V, M1630V.
Identifiers: ClinVar variation 460132 (VCV000460132.6), dbSNP rs371096587, ClinGen allele CA7801662.
Genomic context (GRCh38, chr16:1,213,908, plus strand): 5'-AGCCACTATCTCGACCTCTTCATCACCTTCATCATCTGTGTCAACGTCATCACCATGTCC[A>G]TGGAGCACTATAACCAACCCAAGGTGGGTGCGAGGGGGCCGCGAGGGGCCCAGGGGCTGG-3'
Protein context (NP_066921.2, residues 1626-1646): IICVNVITMS[Met1636Val]EHYNQPKSLD